The following is an entry in ClinVar:

ClinVar aggregate classification (germline): Pathogenic. Review status: criteria provided, multiple submitters, no conflicts (2 of 4 stars). 4 submissions from 4 submitters: Pathogenic (3). 1 of the submissions does not count toward it. Last evaluated 2025-08-24.

Conditions:
Mucopolysaccharidosis, MPS-III-B (MPS3B). Also called: SANFILIPPO SYNDROME B; MPS III B; MUCOPOLYSACCHARIDOSIS, TYPE IIIB; Mucopolysaccharidosis type IIIB (Sanfilippo B); MPS IIIB (Sanfilippo Syndrome Type B); N-ACETYL-ALPHA-D-GLUCOSAMINIDASE DEFICIENCY. Identifiers: Orphanet 79270, MedGen C0086648, MONDO:0009656, OMIM 252920.
Charcot-Marie-Tooth disease axonal type 2V. Also called: CHARCOT-MARIE-TOOTH NEUROPATHY, TYPE 2V; CHARCOT-MARIE-TOOTH DISEASE, AXONAL, AUTOSOMAL DOMINANT, TYPE 2V. Identifiers: Orphanet 447964, MedGen C5569050, MONDO:0014665, OMIM 616491.

Allele frequency attached by ClinVar (database versions not stated): ExAC 0.00002; gnomAD exomes below 0.00001 and 0.00001.

Submissions (4):

Labcorp Genetics (formerly Invitae), Labcorp
Classification: Pathogenic for Charcot-Marie-Tooth disease axonal type 2V; Mucopolysaccharidosis, MPS-III-B. Last evaluated: 2025-08-24. Review status: criteria provided, single submitter. Criteria: Invitae Variant Classification Sherloc (09022015). Collection method: clinical testing. Allele origin: germline.
Comment: This sequence change affects an acceptor splice site in intron 1 of the NAGLU gene. It is expected to disrupt RNA splicing. Variants that disrupt the donor or acceptor splice site typically lead to a loss of protein function (PMID: 16199547), and loss-of-function variants in NAGLU are known to be pathogenic (PMID: 9832037, 10094189, 16151907). This variant is present in population databases (rs764134891, gnomAD 0.006%). Disruption of this splice site has been observed in individuals with mucopolysaccharidosis type IIIB (PMID: 22976768; internal data). ClinVar contains an entry for this variant (Variation ID: 552772). Algorithms developed to predict the effect of sequence changes on RNA splicing suggest that this variant may disrupt the consensus splice site. For these reasons, this variant has been classified as Pathogenic.

Natera, Inc.
Classification: Pathogenic for Mucopolysaccharidosis type IIIB. Last evaluated: 2024-12-23. Review status: criteria provided, single submitter. Criteria: Natera Variant Classification Schema (03/2026). Collection method: clinical testing. Allele origin: germline.
Comment: The c.384-1G>A variant in NAGLU is a canonical splice acceptor site variant predicted to affect pre-mRNA splicing, which may result in an abnormal transcript and altered protein product. This variant is expected to result in nonsense mediated decay, truncation, or a dysfunctional protein product. This variant is rare in the general population with a frequency below the threshold expected for the associated phenotype(s). This variant has been observed in one or more individuals affected with the associated recessive disease, as either homozygous or compound heterozygous with a second variant (PMID: 27590925). Given the available evidence, this variant is classified as Pathogenic.

Women's Health and Genetics/Laboratory Corporation of America, LabCorp
Classification: Pathogenic for Mucopolysaccharidosis, MPS-III-B. Last evaluated: 2020-06-20. Review status: criteria provided, single submitter. Criteria: LabCorp Variant Classification Summary - May 2015. Collection method: clinical testing. Allele origin: germline.
Comment: Variant summary: NAGLU c.384-1G>A is located in a canonical splice-site and is predicted to affect mRNA splicing resulting in a significantly altered protein due to either exon skipping, shortening, or inclusion of intronic material. Several computational tools predict a significant impact on normal splicing: Three predict the variant abolishes a 3' acceptor site. However, these predictions have yet to be confirmed by functional studies. The variant allele was found at a frequency of 8e-06 in 251428 control chromosomes. c.384-1G>A has been reported in the literature in at-least one homozygous individual affected with Mucopolysaccharidosis Type IIIB (Sanfilippo Syndrome B) (example, Pollard_2013). To our knowledge, no experimental evidence demonstrating an impact on protein function has been reported. One clinical diagnostic laboratory has submitted clinical-significance assessments for this variant to ClinVar after 2014 without evidence for independent evaluation and classified the variant as likely pathogenic. Based on the evidence outlined above, the variant was classified as pathogenic.

Counsyl
Classification: Likely pathogenic for Mucopolysaccharidosis, MPS-III-B. Last evaluated: 2017-07-06. Review status: no assertion criteria provided. Collection method: clinical testing. Allele origin: unknown. Not counted in ClinVar's aggregate classification.

Literature cited by the submitters: PubMed 16199547 (cited by Labcorp Genetics (formerly Invitae), Labcorp); PubMed 9832037 (cited by Labcorp Genetics (formerly Invitae), Labcorp); PubMed 10094189 (cited by Labcorp Genetics (formerly Invitae), Labcorp); PubMed 16151907 (cited by Labcorp Genetics (formerly Invitae), Labcorp); PubMed 22976768 (cited by 3 submitters); PubMed 27590925 (cited by Natera, Inc.).

NM_000263.4(NAGLU):c.384-1G>A

Gene: NAGLU (N-acetyl-alpha-glucosaminidase; plus strand). Cytogenetic location: 17q21.2.
Variant type: single nucleotide variant.
Coding change: c.384-1G>A on transcript NM_000263.4 (MANE Select); the canonical splice acceptor site of the intron before coding-DNA position 384, G replaced by A.
Molecular consequence: splice acceptor variant.
Genome position (GRCh38, 1-based): chr17:42,537,397, G>A. VCF-style: chr17-42537397-G-A. GRCh37 (hg19) VCF-style: chr17-40689415-G-A.
Identifiers: ClinVar variation 552772 (VCV000552772.13), dbSNP rs764134891, ClinGen allele CA8576757.